The following is an entry in ClinVar:

ClinVar aggregate classification (germline): Conflicting classifications of pathogenicity. Review status: criteria provided, conflicting classifications (1 of 4 stars). 2 submissions from 2 submitters: Uncertain significance (1); Likely benign (1). Last evaluated 2025-12-14.

Conditions:
Long QT syndrome (LQTS). Identifiers: MedGen C0023976, MeSH D008133, MONDO:0002442. Disease mechanism: loss of function. Inheritance: Various modes of inheritance.

Allele frequency attached by ClinVar (database versions not stated): gnomAD exomes below 0.00001 and 0.00002; TOPMed below 0.00001; ExAC 0.00001.
gnomAD v4.1: 5 of 1,613,854 alleles (0.00031%); highest among the groups gnomAD compares: Admixed American, 0.005%; no homozygotes.

Submissions (2):

Labcorp Genetics (formerly Invitae), Labcorp
Classification: Uncertain significance for Long QT syndrome. Last evaluated: 2025-12-14. Review status: criteria provided, single submitter. Criteria: Invitae Variant Classification Sherloc (09022015). Collection method: clinical testing. Allele origin: germline.
Comment: This sequence change falls in intron 7 of the KCNQ1 gene. It does not directly change the encoded amino acid sequence of the KCNQ1 protein. It affects a nucleotide within the consensus splice site. This variant is present in population databases (rs373884260, gnomAD 0.01%). This variant has not been reported in the literature in individuals affected with KCNQ1-related conditions. ClinVar contains an entry for this variant (Variation ID: 200810). Variants that disrupt the consensus splice site are a relatively common cause of aberrant splicing (PMID: 17576681, 9536098). Algorithms developed to predict the effect of sequence changes on RNA splicing suggest that this variant is not likely to affect RNA splicing. In summary, the available evidence is currently insufficient to determine the role of this variant in disease. Therefore, it has been classified as a Variant of Uncertain Significance.

GeneDx
Classification: Likely benign. Last evaluated: 2013-01-17. Review status: criteria provided, single submitter. Criteria: GeneDx Variant Classification (06012015). Collection method: clinical testing. Allele origin: germline. Affected: yes.
Comment: This variant is considered likely benign or benign based on one or more of the following criteria: it is a conservative change, it occurs at a poorly conserved position in the protein, it is predicted to be benign by multiple in silico algorithms, and/or has population frequency not consistent with disease.

Literature cited by the submitters: PubMed 17576681 (cited by Labcorp Genetics (formerly Invitae), Labcorp); PubMed 9536098 (cited by Labcorp Genetics (formerly Invitae), Labcorp).

NM_000218.3(KCNQ1):c.1033-3C>T

Gene: KCNQ1 (potassium voltage-gated channel subfamily Q member 1; plus strand). Cytogenetic location: 11p15.5.
Variant type: single nucleotide variant.
Coding change: c.1033-3C>T on transcript NM_000218.3 (MANE Select); 3 bases into the intron before coding-DNA position 1033, C replaced by T.
Molecular consequence: intron variant.
Genome position (GRCh38, 1-based): chr11:2,585,209, C>T. VCF-style: chr11-2585209-C-T. GRCh37 (hg19) VCF-style: chr11-2606439-C-T.
Other names: c.763-3C>T (NM_001406837.1); c.1032+1664C>T (NM_001406836.1); c.588+1664C>T (NM_001406838.1); c.652-3C>T (NM_181798.2).
Identifiers: ClinVar variation 200810 (VCV000200810.4), dbSNP rs373884260, ClinGen allele CA005037.